The following is an entry in ClinVar:

NM_002693.3(POLG):c.493_499delinsGCCCT (p.Lys165fs)

Genes: POLG (DNA polymerase gamma, catalytic subunit; minus strand), POLGARF (POLG alternative reading frame; minus strand). Cytogenetic location: 15q26.1.
Variant type: Indel.
Coding change: c.493_499delinsGCCCT on transcript NM_002693.3 (MANE Select); coding-DNA positions 493 to 499, AAGCCCC replaced by GCCCT.
Protein change: p.Lys165fs; shifts the reading frame from lysine 165.
Molecular consequence: frameshift variant.
Genome position (GRCh38, 1-based): chr15:89,333,256-89,333,262, GGGGCTT replaced by AGGGC on the plus strand (AAGCCCC replaced by GCCCT on the coding strand, the reverse complement: POLG is on the minus strand). VCF-style: chr15-89333256-GGGGCTT-AGGGC. GRCh37 (hg19) VCF-style: chr15-89876487-GGGGCTT-AGGGC.
Other names: c.548_554delinsGCCCT, p.Glu183fs (NM_001430120.1); c.493_499delinsGCCCT, p.Lys165fs (NM_001126131.2); short protein forms E183fs, K165fs.
Identifiers: ClinVar variation 5013110 (VCV005013110.1).

ClinVar aggregate classification (germline): Pathogenic (1 of 4 stars; one submission).

Conditions:
POLG-related disorder. Also called: POLG-Related Spectrum Disorders; POLG-related condition; POLG-Related Disorders. Identifiers: MedGen C4763519.

Submission:

Myriad Genetics, Inc.
Classification: Pathogenic for POLG-related disorder. Last evaluated: 2024-05-25. Review status: criteria provided, single submitter. Criteria: Myriad Autosomal Dominant, Autosomal Recessive and X-Linked Classification Criteria (2023). Collection method: clinical testing. Allele origin: unknown.
Comment: NM_002693.2(POLG):c.493_499del7ins5(K165Afs*78) is expected to be pathogenic in the context of POLG-related disorders. This variant is predicted to lead to an abnormal or absent protein product due to the creation of a premature termination codon in POLG, a gene where loss-of-function variants are known to be pathogenic. Please note: this variant was assessed in the context of healthy population screening.